The following is an entry in ClinVar:

ClinVar aggregate classification (germline): Uncertain significance. Review status: criteria provided, multiple submitters, no conflicts (2 of 4 stars). 2 submissions from 2 submitters: Uncertain significance (2). Last evaluated 2025-09-05.

Conditions:
Inborn genetic diseases. Identifiers: MedGen C0950123, MeSH D030342.
Brown-Vialetto-van Laere syndrome 2. Also called: SPINOCEREBELLAR ATAXIA WITH BLINDNESS AND DEAFNESS 2; Riboflavin transporter deficiency type 2. Identifiers: Orphanet 572543, Orphanet 97229, MedGen C3553538, MONDO:0013867, OMIM 614707.

Allele frequency attached by ClinVar (database versions not stated): TOPMed 0.00002.

Submissions (2):

Ambry Genetics
Classification: Uncertain significance for Inborn genetic diseases. Last evaluated: 2025-09-05. Review status: criteria provided, single submitter. Criteria: Ambry Variant Classification Scheme 2023. Collection method: clinical testing. Allele origin: germline.

Labcorp Genetics (formerly Invitae), Labcorp
Classification: Uncertain significance for Brown-Vialetto-van Laere syndrome 2. Last evaluated: 2022-04-03. Review status: criteria provided, single submitter. Criteria: Invitae Variant Classification Sherloc (09022015). Collection method: clinical testing. Allele origin: germline.
Comment: This sequence change replaces alanine, which is neutral and non-polar, with valine, which is neutral and non-polar, at codon 355 of the SLC52A2 protein (p.Ala355Val). The frequency data for this variant in the population databases is considered unreliable, as metrics indicate poor data quality at this position in the gnomAD database. This variant has not been reported in the literature in individuals affected with SLC52A2-related conditions. ClinVar contains an entry for this variant (Variation ID: 961027). Advanced modeling of protein sequence and biophysical properties (such as structural, functional, and spatial information, amino acid conservation, physicochemical variation, residue mobility, and thermodynamic stability) performed at Invitae indicates that this missense variant is not expected to disrupt SLC52A2 protein function. In summary, the available evidence is currently insufficient to determine the role of this variant in disease. Therefore, it has been classified as a Variant of Uncertain Significance.

NM_001363118.2(SLC52A2):c.1064C>T (p.Ala355Val)

Gene: SLC52A2 (solute carrier family 52 member 2; plus strand). Cytogenetic location: 8q24.3.
Variant type: single nucleotide variant.
Coding change: c.1064C>T on transcript NM_001363118.2 (MANE Select); coding-DNA position 1064, C replaced by T.
Protein change: p.Ala355Val; replaces alanine 355 with valine.
Molecular consequence: missense variant. On other transcripts: non-coding transcript variant (1).
Genome position (GRCh38, 1-based): chr8:144,360,652, C>T. VCF-style: chr8-144360652-C-T. GRCh37 (hg19) VCF-style: chr8-145584312-C-T.
Other names: c.1064C>T (NM_024531.3); c.1064C>T, p.Ala355Val (NM_001253815.2, NM_001253816.2, NM_001363120.2 and 2 more transcripts); c.572C>T, p.Ala191Val (NM_001363122.2); short protein forms A191V, A355V.
Identifiers: ClinVar variation 961027 (VCV000961027.5), dbSNP rs1173664250, ClinGen allele CA4938363.